The following is an entry in ClinVar:

NM_080424.4(SP110):c.1478A>T (p.Asp493Val)

Gene: SP110 (SP110 nuclear body protein; minus strand). Cytogenetic location: 2q37.1.
Variant type: single nucleotide variant.
Coding change: c.1478A>T on transcript NM_080424.4 (MANE Select); coding-DNA position 1478, A replaced by T.
Protein change: p.Asp493Val; replaces aspartic acid 493 with valine.
Molecular consequence: missense variant.
Genome position (GRCh38, 1-based): chr2:230,177,650, T>A on the plus strand (A>T on the coding strand, the complement: SP110 is on the minus strand). VCF-style: chr2-230177650-T-A. GRCh37 (hg19) VCF-style: chr2-231042366-T-A.
Other names: c.1496A>T, p.Asp499Val (NM_001185015.2, NM_001378442.1, NM_001378444.1 and 2 more transcripts); c.1478A>T, p.Asp493Val (NM_001378443.1, NM_004509.5, NM_004510.4); c.1328A>T, p.Asp443Val (NM_001378447.1); short protein forms D493V, D499V, D443V.
Identifiers: ClinVar variation 1347977 (VCV001347977.5), dbSNP rs2148714312, ClinGen allele CA350903329.

ClinVar aggregate classification (germline): Uncertain significance (1 of 4 stars; one submission).

Conditions:
Hepatic veno-occlusive disease-immunodeficiency syndrome. Also called: Hepatic Veno-Occlusive Disease with Immunodeficiency. Identifiers: Orphanet 79124, MedGen C1856128, MONDO:0009338, OMIM 235550. Disease mechanism: loss of function.

Submission:

Labcorp Genetics (formerly Invitae), Labcorp
Classification: Uncertain significance for Hepatic veno-occlusive disease-immunodeficiency syndrome. Last evaluated: 2021-08-13. Review status: criteria provided, single submitter. Criteria: Invitae Variant Classification Sherloc (09022015). Collection method: clinical testing. Allele origin: germline.
Comment: This sequence change replaces aspartic acid with valine at codon 493 of the SP110 protein (p.Asp493Val). The aspartic acid residue is weakly conserved and there is a large physicochemical difference between aspartic acid and valine. This variant is not present in population databases (ExAC no frequency). This variant has not been reported in the literature in individuals affected with SP110-related conditions. Algorithms developed to predict the effect of missense changes on protein structure and function (SIFT, PolyPhen-2, Align-GVGD) all suggest that this variant is likely to be tolerated. Algorithms developed to predict the effect of sequence changes on RNA splicing suggest that this variant may create or strengthen a splice site. In summary, the available evidence is currently insufficient to determine the role of this variant in disease. Therefore, it has been classified as a Variant of Uncertain Significance.